The following is an entry in ClinVar:

NM_001330360.2(POLA1):c.1834-9dup

Gene: POLA1 (DNA polymerase alpha 1, catalytic subunit; plus strand). Cytogenetic location: Xp22.11.
Variant type: Duplication.
Coding change: c.1834-9dup on transcript NM_001330360.2 (MANE Select); 9 bases into the intron before coding-DNA position 1834, one base duplicated (A; older notation c.1834-9dupA).
Molecular consequence: intron variant.
Genome position (GRCh38, 1-based): chrX:24,735,390, A duplicated. VCF-style (leftmost placement, unchanged base first): chrX-24735389-T-TA. GRCh37 (hg19) VCF-style: chrX-24753506-T-TA.
Other names: c.1816-9dupA (NM_016937.3); c.1759-9dup (NM_001378303.1); c.1816-9dup (NM_016937.4).
Identifiers: ClinVar variation 1167752 (VCV001167752.12), dbSNP rs746368334, ClinGen allele CA10373066.

ClinVar aggregate classification (germline): Benign/Likely benign. Review status: criteria provided, multiple submitters, no conflicts (2 of 4 stars). 3 submissions from 3 submitters: Benign (1); Likely benign (1). 1 of the submissions does not count toward it. Last evaluated 2025-02-10.

Conditions:
POLA1-related disorder. Also called: POLA1-related condition.

Allele frequency attached by ClinVar (database versions not stated): gnomAD exomes 0.00002 and 0.00004; ExAC 0.00006; gnomAD 0.00009 and 0.00010; ESP Exome Variant Server 0.00010; TOPMed 0.00017.

Submissions (3):

Labcorp Genetics (formerly Invitae), Labcorp
Classification: Benign. Last evaluated: 2025-02-10. Review status: criteria provided, single submitter. Criteria: Invitae Variant Classification Sherloc (09022015). Collection method: clinical testing. Allele origin: germline.

Blueprint Genetics
Classification: Likely benign. Last evaluated: 2024-10-23. Review status: criteria provided, single submitter. Criteria: ACMG Guidelines, 2015. Collection method: clinical testing. Allele origin: germline.

PreventionGenetics, part of Exact Sciences
Classification: Likely benign for POLA1-related condition. Last evaluated: 2019-07-11. Review status: no assertion criteria provided. Collection method: clinical testing. Allele origin: germline. Not counted in ClinVar's aggregate classification.
Comment: This variant is classified as likely benign based on ACMG/AMP sequence variant interpretation guidelines (Richards et al. 2015 PMID: 25741868, with internal and published modifications).